The following is an entry in ClinVar:

NM_000152.5(GAA):c.1933G>T (p.Asp645Tyr)

Gene: GAA (alpha glucosidase; plus strand). Cytogenetic location: 17q25.3.
Variant type: single nucleotide variant.
Coding change: c.1933G>T on transcript NM_000152.5 (MANE Select); coding-DNA position 1933, G replaced by T.
Protein change: p.Asp645Tyr; replaces aspartic acid 645 with tyrosine.
Molecular consequence: missense variant.
Genome position (GRCh38, 1-based): chr17:80,112,920, G>T. VCF-style: chr17-80112920-G-T. GRCh37 (hg19) VCF-style: chr17-78086719-G-T.
Other names: NM_000152.5(GAA):c.1933G>T; c.1933G>T, p.Asp645Tyr (NM_001079803.3, NM_001079804.3); c.1933G>T (LRG_673t1, NM_000152.4); short protein forms D645Y.
Identifiers: ClinVar variation 556386 (VCV000556386.22), dbSNP rs368438393, ClinGen allele CA401369905.

ClinVar aggregate classification (germline): Pathogenic. Review status: reviewed by expert panel (3 of 4 stars). 9 submissions from 9 submitters: Pathogenic (1). 8 of the submissions do not count toward it. Last evaluated 2024-12-19.

Conditions:
GAA-related disorder. Also called: GAA-related condition.
Glycogen storage disease, type II (IOPD). Also called: POMPE DISEASE, INFANTILE-ONSET; GLYCOGEN STORAGE DISEASE II, INFANTILE-ONSET; ACID ALPHA-GLUCOSIDASE DEFICIENCY, INFANTILE-ONSET; GAA DEFICIENCY, INFANTILE-ONSET; ACID MALTASE DEFICIENCY, INFANTILE-ONSET; Glucosidase acid-1,4-alpha deficiency. Identifiers: Orphanet 365, MedGen C0017921, MONDO:0009290, OMIM 232300.

gnomAD v4.1: 3 of 1,610,470 alleles (0.00019%); highest among the groups gnomAD compares: Admixed American, 0.0034%; no homozygotes.

Submissions (9):

ClinGen Lysosomal Storage Disorder Variant Curation Expert Panel
Classification: Pathogenic for Glycogen storage disease, type II. Last evaluated: 2024-12-19. Review status: reviewed by expert panel. Criteria: clingen_lsd_acmg_specifications_v2-1. Collection method: curation. Allele origin: germline. Inheritance: Autosomal recessive inheritance.
Comment: The NM_000152.5:c.1933G>T variant in GAA is a missense variant predicted to cause substitution of aspartic acid, by tyrosine at amino acid 645 (p.Asp645Tyr). The highest population minor allele frequency in gnomAD v4.1.0 is 0.0000335 (2/59698 alleles) in the Admixed American population, which is lower than the ClinGen LD VCEP threshold for PM2_Supporting (<0.001) meeting this criterion (PM2_Supporting). This variant has been detected in at least 6 individuals with Pompe disease. Of those individuals, 4 were compound heterozygous for the variant and pathogenic variants (c.-32-13T>G and c.525delT) none of those were confirmed in trans. (PMID: 27711114, 17616415, 24715333). Two individuals were homozygous for the variant (PMID: 38250073) (PM3_Strong). At least three patients with this variant had documented GAA deficiency with <30% of normal mean control level of GAA activity in cultured fibroblasts or were noted to have deficient GAA activity but results were not provided (PMID: 17616415, 24715333). Another four patients were reported to be on enzyme replacement therapy for Pompe disease (PMID: 38250073, 29573408, 27711114, 24715333) (PP4_Moderate). Expression of the variant in COS cells resulted in 0% wild type GAA activity in cells and medium and evidence of abnormal GAA synthesis and processing), variant to be described as Class B (“potentially less severe), indicating that this variant may impact protein function (PMID: 18425781) (PS3_Moderate). The computational predictor REVEL gives a score of 0.976 which is above the threshold of 0.7, evidence that correlates with impact to GAA function (PP3). Two different missense variants (c.1933G > A, p.Asp645Asn, ClinVar Variation ID 188728, PMID: 9535769, 15145338, 16860134, 17723315, 23601496, 25139343, 26497565) and (c.1933G>C, p.Asp645His, ClinVar Variation ID 189013, PMID: (PMID: 12897283, 7695647) in the same codon have been classified as pathogenic and likely pathogenic for Pompe disease by the ClinGen Lysosomal Diseases VCEP (PM5). There is a ClinVar entry for this variant (Variation ID: 556386) In summary, this variant meets the criteria to be classified as Pathogenic for Pompe disease. GAA-specific ACMG/AMP criteria met, based on the specifications of the ClinGen Lysosomal Diseases VCEP (Specifications Version 2.0): PM3_Strong, PP4_Moderate, PS3_Moderate, PM5, PP3, PM2_Supporting. (Classification approved by the ClinGen Lysosomal Diseases Variant Curation Expert Panel on December 19, 2024)

Genomenon, Inc
Classification: Likely pathogenic for Glycogen storage disease, type II. Last evaluated: 2026-07-01. Review status: criteria provided, single submitter. Criteria: Genomenon Sequence Variant Interpretation Standards - Updated. Collection method: curation. Allele origin: germline. Affected: yes. Not counted in ClinVar's aggregate classification.
Comment: GAA p.Asp645Tyr (c.1933G>T) is a missense variant that changes the amino acid at codon 645 from Aspartic acid to Tyrosine. This variant has been observed in at least one proband with a GAA-related disorder in the compound heterozygous and/or homozygous state (PMID:36299500;27711114;30049495;17616415). At least one functional study has demonstrated a substantial alteration in protein function relative to the wild-type (PMID:18425781). It is absent or not present at a significant frequency in gnomAD. In silico models predict that this variant is possibly or probably damaging. In conclusion, we classify GAA p.Asp645Tyr (c.1933G>T) as a likely pathogenic variant.

Natera, Inc.
Classification: Pathogenic for Glycogen storage disease type II. Last evaluated: 2025-07-18. Review status: criteria provided, single submitter. Criteria: Natera Variant Classification Schema (03/2026). Collection method: clinical testing. Allele origin: germline. Not counted in ClinVar's aggregate classification.
Comment: The c.1933G>T variant in GAA is a missense variant predicted to cause substitution of aspartic acid to tyrosine at amino acid 645. This variant is rare in the general population with a frequency below the threshold expected for the associated phenotype(s). This variant has been observed in one or more individuals affected with the associated recessive disease, as either homozygous or compound heterozygous with a second variant (PMID: 17616415, 24715333, 34530085, 36299500). Given the available evidence, this variant is classified as Pathogenic.

PreventionGenetics, part of Exact Sciences
Classification: Pathogenic for GAA-related condition. Last evaluated: 2025-04-22. Review status: criteria provided, single submitter. Criteria: ACMG Guidelines, 2015. Collection method: clinical testing. Allele origin: germline. Not counted in ClinVar's aggregate classification.
Comment: The GAA c.1933G>T variant is predicted to result in the amino acid substitution p.Asp645Tyr. This variant, along with a second pathogenic GAA variant, has been reported in multiple individuals with glycogen storage disease 2 (Gort et al. 2007. PubMed ID: 17616415; van Gelder et al. 2015. PMID: 24715333; Figueroa-Bonaparte et al. 2016 PMID: 27711114; Ebbink et al. 2018. PMID:29573408; Amiñoso et al. 2022. PubMed ID: 34530085). In the fibroblasts of an individual that was also heterozygous for the c.-32-13T>G variant, residual GAA activity of ~20% (Gort et al. 2007. PubMed ID: 17616415). This variant is reported in 0.0066% of alleles in individuals of African descent in gnomAD. This variant is classified as Pathogenic by the ClinGen Lysosomal Storage Disorder Variant Curation Expert Panel. This variant is interpreted as pathogenic.

Labcorp Genetics (formerly Invitae), Labcorp
Classification: Pathogenic for Glycogen storage disease, type II. Last evaluated: 2024-03-21. Review status: criteria provided, single submitter. Criteria: Invitae Variant Classification Sherloc (09022015). Collection method: clinical testing. Allele origin: germline. Not counted in ClinVar's aggregate classification.
Comment: This sequence change replaces aspartic acid, which is acidic and polar, with tyrosine, which is neutral and polar, at codon 645 of the GAA protein (p.Asp645Tyr). This variant is present in population databases (no rsID available, gnomAD 0.007%). This missense change has been observed in individual(s) with Pompe disease (PMID: 17616415, 24715333). ClinVar contains an entry for this variant (Variation ID: 556386). Advanced modeling of protein sequence and biophysical properties (such as structural, functional, and spatial information, amino acid conservation, physicochemical variation, residue mobility, and thermodynamic stability) performed at Invitae indicates that this missense variant is expected to disrupt GAA protein function with a positive predictive value of 95%. This variant disrupts the p.Asp645 amino acid residue in GAA. Other variant(s) that disrupt this residue have been determined to be pathogenic (PMID: 10338092, 21039225, 21232767, 21439876, 21757382, 24269976). This suggests that this residue is clinically significant, and that variants that disrupt this residue are likely to be disease-causing. For these reasons, this variant has been classified as Pathogenic.

GeneDx
Classification: Pathogenic. Last evaluated: 2024-03-14. Review status: criteria provided, single submitter. Criteria: GeneDx Variant Classification Process June 2021. Collection method: clinical testing. Allele origin: germline. Affected: yes. Not counted in ClinVar's aggregate classification.
Comment: Published functional studies found this variant is associated with no detectable enzyme activity (PMID: 18425781); Not observed at significant frequency in large population cohorts (gnomAD); In silico analysis supports that this missense variant has a deleterious effect on protein structure/function; This variant is associated with the following publications: (PMID: 30281819, 26944269, 35787971, 31342611, 30049495, 22253258, 19343043, 24715333, 17616415, 29573408, 18425781, 34530085)

Revvity Omics, Revvity
Classification: Likely pathogenic. Last evaluated: 2023-10-26. Review status: criteria provided, single submitter. Criteria: ACMG Guidelines, 2015. Collection method: clinical testing. Allele origin: germline. Not counted in ClinVar's aggregate classification.

Broad Center for Mendelian Genomics, Broad Institute of MIT and Harvard
Classification: Pathogenic for Glycogen storage disease, type II. Last evaluated: 2020-01-22. Review status: criteria provided, single submitter. Criteria: ACMG Guidelines, 2015. Collection method: curation. Allele origin: germline. Inheritance: Autosomal recessive inheritance. Not counted in ClinVar's aggregate classification.
Comment: The p.Asp645Tyr variant in GAA has been reported in four individuals with glycogen storage disease II, segregated with disease in 2 affected relatives from 1 family (PMID: 18425781, 17616415; DOI: 10.1016/j.jns.2015.08.1211) and has been identified in 0.007% (1/15154) of African chromosomes and 0.003% (1/33952) of Latino chromosomes by the Genome Aggregation Database (gnomAD; dbSNP rs368438393). Although this variant has been seen in the general population, its frequency is low enough to be consistent with a recessive carrier frequency. This variant has also been reported in ClinVar as likely pathogenic by Counsyl (VariationID: 556386). In vitro studies using cells transfected with the variant provide some evidence that the p.Asp645Tyr variant may impact protein function (PMID: 18425781). However, these types of assays may not accurately represent biological function. Three additional pathogenic variants, resulting in a different amino acid change at the same position (p.Asp645Asn, p.Asp645His, and p.Asp645Glu) have been reported in association with disease in ClinVar, supporting that a change at this position may not be tolerated (VariationID: 188728, 189013, 4029). Computational prediction tools and conservation analyses suggest that this variant may impact the protein, though this information is not predictive enough to determine pathogenicity. The phenotype of an individual heterozygous for this variant is highly specific for glycogen storage disease II based on GAA enzyme activity in fibroblasts being <20% of wild type, consistent with disease (PMID: 17616415). Additionally, the presence of this variant in combination with reported pathogenic variant c.-32-13T>G (VariationID: 4027; PMID: 17616415, DOI 10.1016/j.jns.2015.08.1211) and in individuals with glycogen storage disease II silghtly increases the likelihood that the p.Asp645Tyr variant is pathogenic. In summary, this variant meets criteria to be classified as pathogenic for glycogen storage disease II in an autosomal recessive manner based on functional studies demonstrating a potential impact on the protein, previous reports of other pathogenic variants at the same location, and the presence of the variant in combination with a pathogenic variant in an affected individual. ACMG/AMP Criteria applied: PM5_Strong, PS3, PM2, PM3_Supporting, PP3, PP4 (Richards 2015).

Counsyl
Classification: Likely pathogenic for Glycogen storage disease, type II. Last evaluated: 2018-01-28. Review status: no assertion criteria provided. Collection method: clinical testing. Allele origin: unknown. Not counted in ClinVar's aggregate classification.

Literature cited by the submitters: PubMed 36299500 (cited by Genomenon, Inc and Natera, Inc.); PubMed 27711114 (cited by Genomenon, Inc); PubMed 30049495 (cited by Genomenon, Inc); PubMed 17616415 (cited by 5 submitters); PubMed 18425781 (cited by Genomenon, Inc and Broad Center for Mendelian Genomics, Broad Institute of MIT and Harvard); PubMed 24715333 (cited by 3 submitters); PubMed 34530085 (cited by Natera, Inc.); PubMed 10338092 (cited by Labcorp Genetics (formerly Invitae), Labcorp); PubMed 21039225 (cited by Labcorp Genetics (formerly Invitae), Labcorp); PubMed 21232767 (cited by Labcorp Genetics (formerly Invitae), Labcorp); PubMed 21439876 (cited by Labcorp Genetics (formerly Invitae), Labcorp); PubMed 21757382 (cited by Labcorp Genetics (formerly Invitae), Labcorp); PubMed 24269976 (cited by Labcorp Genetics (formerly Invitae), Labcorp).